The following is an entry in ClinVar:

NM_024513.4(FYCO1):c.186C>T (p.Thr62=)

Gene: FYCO1 (FYVE and coiled-coil domain autophagy adaptor 1; minus strand). Cytogenetic location: 3p21.31.
Variant type: single nucleotide variant.
Coding change: c.186C>T on transcript NM_024513.4 (MANE Select); coding-DNA position 186, C replaced by T.
Protein change: p.Thr62=; no amino-acid change (threonine 62 retained).
Molecular consequence: synonymous variant.
Genome position (GRCh38, 1-based): chr3:45,979,807, G>A on the plus strand (C>T on the coding strand, the complement: FYCO1 is on the minus strand). VCF-style: chr3-45979807-G-A. GRCh37 (hg19) VCF-style: chr3-46021299-G-A.
Identifiers: ClinVar variation 703470 (VCV000703470.14), dbSNP rs147216026, ClinGen allele CA2353553.

ClinVar aggregate classification (germline): Conflicting classifications of pathogenicity. Review status: criteria provided, conflicting classifications (1 of 4 stars). 4 submissions from 4 submitters: Uncertain significance (1); Benign (1); Likely benign (1). 1 of the submissions does not count toward it. Last evaluated 2024-09-12.

Conditions:
FYCO1-related disorder. Also called: FYCO1-related condition.
Cataract 18 (CATC2). Also called: CATARACT 18, AUTOSOMAL RECESSIVE. Identifiers: Orphanet 91492, Orphanet 98991, Orphanet 98992, Orphanet 98995, MedGen C1864908, MONDO:0012395, OMIM 610019.

Allele frequency attached by ClinVar (database versions not stated): ExAC 0.00020; gnomAD exomes 0.00022; gnomAD 0.00028 and 0.00030; 1000 Genomes Project 30x 0.00047; TOPMed 0.00049; 1000 Genomes Project 0.00060; ESP Exome Variant Server 0.00062.
gnomAD v4.1: 388 of 1,614,016 alleles (0.024%); highest among the groups gnomAD compares: Middle Eastern, 0.28%; 1 homozygote.

Submissions (4):

Blueprint Genetics
Classification: Likely benign. Last evaluated: 2024-09-12. Review status: criteria provided, single submitter. Criteria: ACMG Guidelines, 2015. Collection method: clinical testing. Allele origin: germline.

Labcorp Genetics (formerly Invitae), Labcorp
Classification: Benign for Cataract 18. Last evaluated: 2018-10-29. Review status: criteria provided, single submitter. Criteria: Invitae Variant Classification Sherloc (09022015). Collection method: clinical testing. Allele origin: germline.

Illumina Laboratory Services, Illumina
Classification: Uncertain significance for Cataract 18. Last evaluated: 2018-01-13. Review status: criteria provided, single submitter. Criteria: ICSL Variant Classification Criteria 13 December 2019. Collection method: clinical testing. Allele origin: germline.

PreventionGenetics, part of Exact Sciences
Classification: Likely benign for FYCO1-related condition. Last evaluated: 2019-08-08. Review status: no assertion criteria provided. Collection method: clinical testing. Allele origin: germline. Not counted in ClinVar's aggregate classification.
Comment: This variant is classified as likely benign based on ACMG/AMP sequence variant interpretation guidelines (Richards et al. 2015 PMID: 25741868, with internal and published modifications).